The following is an entry in ClinVar:

NM_000565.4(IL6R):c.334G>A (p.Val112Ile)

Gene: IL6R (interleukin 6 receptor; plus strand). Cytogenetic location: 1q21.3.
Variant type: single nucleotide variant.
Coding change: c.334G>A on transcript NM_000565.4 (MANE Select); coding-DNA position 334, G replaced by A.
Protein change: p.Val112Ile; replaces valine 112 with isoleucine.
Molecular consequence: missense variant. On other transcripts: intron variant (1).
Genome position (GRCh38, 1-based): chr1:154,429,444, G>A. VCF-style: chr1-154429444-G-A. GRCh37 (hg19) VCF-style: chr1-154401920-G-A.
Other names: c.334G>A, p.Val112Ile (NM_001206866.2, NM_001382769.1, NM_001382770.1 and 4 more transcripts); c.126+208G>A (NM_001382774.1); short protein forms V112I.
Identifiers: ClinVar variation 2011034 (VCV002011034.4), dbSNP rs2525458561, ClinGen allele CA342606297.
Genomic context (GRCh38, chr1:154,429,444, plus strand): 5'-GGAAACTATTCATGCTACCGGGCCGGCCGCCCAGCTGGGACTGTGCACTTGCTGGTGGAT[G>A]GTGAGTTGTGCCTCAGAGGTCCCGGAGATAGTTCCCGTAAGAAATGAGGCTTTGTGCATT-3'
Protein context (NP_000556.1, residues 102-122): PAGTVHLLVD[Val112Ile]PPEEPQLSCF

ClinVar aggregate classification (germline): Uncertain significance (1 of 4 stars; one submission).

Submission:

Labcorp Genetics (formerly Invitae), Labcorp
Classification: Uncertain significance. Last evaluated: 2022-06-26. Review status: criteria provided, single submitter. Criteria: Invitae Variant Classification Sherloc (09022015). Collection method: clinical testing. Allele origin: germline.
Comment: In summary, the available evidence is currently insufficient to determine the role of this variant in disease. Therefore, it has been classified as a Variant of Uncertain Significance. Variants that disrupt the consensus splice site are a relatively common cause of aberrant splicing (PMID: 17576681, 9536098). Algorithms developed to predict the effect of sequence changes on RNA splicing suggest that this variant may disrupt the consensus splice site. Algorithms developed to predict the effect of missense changes on protein structure and function (SIFT, PolyPhen-2, Align-GVGD) all suggest that this variant is likely to be tolerated. This variant has not been reported in the literature in individuals affected with IL6R-related conditions. This variant is not present in population databases (gnomAD no frequency). This sequence change replaces valine, which is neutral and non-polar, with isoleucine, which is neutral and non-polar, at codon 112 of the IL6R protein (p.Val112Ile). This variant also falls at the last nucleotide of exon 2, which is part of the consensus splice site for this exon.

Literature cited by the submitters: PubMed 17576681; PubMed 9536098.